The following is an entry in ClinVar:

NM_003906.5(MCM3AP):c.1875C>T (p.Thr625=)

Gene: MCM3AP (minichromosome maintenance complex component 3 associated protein; minus strand). Cytogenetic location: 21q22.3.
Variant type: single nucleotide variant.
Coding change: c.1875C>T on transcript NM_003906.5 (MANE Select); coding-DNA position 1875, C replaced by T.
Protein change: p.Thr625=; no amino-acid change (threonine 625 retained).
Molecular consequence: synonymous variant.
Genome position (GRCh38, 1-based): chr21:46,275,309, G>A on the plus strand (C>T on the coding strand, the complement: MCM3AP is on the minus strand). VCF-style: chr21-46275309-G-A. GRCh37 (hg19) VCF-style: chr21-47695223-G-A.
Other names: p.Thr625=.
Identifiers: ClinVar variation 1597907 (VCV001597907.10), dbSNP rs145653489, ClinGen allele CA10076945.

ClinVar aggregate classification (germline): Likely benign. Review status: criteria provided, multiple submitters, no conflicts (2 of 4 stars). 3 submissions from 3 submitters: Likely benign (3). Last evaluated 2025-08-20.

Allele frequency attached by ClinVar (database versions not stated): ESP Exome Variant Server 0.00062.

Submissions (3):

Labcorp Genetics (formerly Invitae), Labcorp
Classification: Likely benign. Last evaluated: 2025-08-20. Review status: criteria provided, single submitter. Criteria: Invitae Variant Classification Sherloc (09022015). Collection method: clinical testing. Allele origin: germline.

Mayo Clinic Laboratories, Mayo Clinic
Classification: Likely benign. Last evaluated: 2025-07-21. Review status: criteria provided, single submitter. Criteria: ACMG Guidelines, 2015. Collection method: clinical testing. Allele origin: germline. Observed: 1 variant allele.
Comment: BP4, BP7

Blueprint Genetics
Classification: Likely benign. Last evaluated: 2024-06-20. Review status: criteria provided, single submitter. Criteria: ACMG Guidelines, 2015. Collection method: clinical testing. Allele origin: germline.